The following is an entry in ClinVar:

NM_001032386.2(SUOX):c.1040T>C (p.Leu347Pro)

Gene: SUOX (sulfite oxidase; plus strand). Cytogenetic location: 12q13.2.
Variant type: single nucleotide variant.
Coding change: c.1040T>C on transcript NM_001032386.2 (MANE Select); coding-DNA position 1040, T replaced by C.
Protein change: p.Leu347Pro; replaces leucine 347 with proline.
Molecular consequence: missense variant.
Genome position (GRCh38, 1-based): chr12:56,004,429, T>C. VCF-style: chr12-56004429-T-C. GRCh37 (hg19) VCF-style: chr12-56398213-T-C.
Other names: c.1040T>C, p.Leu347Pro (NM_000456.3, NM_001032387.2); short protein forms L347P.
Identifiers: ClinVar variation 918139 (VCV000918139.1), dbSNP rs1890659461, ClinGen allele CA385290545.

ClinVar aggregate classification (germline): Uncertain significance (1 of 4 stars; one submission).

Submission:

Women's Health and Genetics/Laboratory Corporation of America, LabCorp
Classification: Uncertain significance. Last evaluated: 2020-03-02. Review status: criteria provided, single submitter. Criteria: LabCorp Variant Classification Summary - May 2015. Collection method: clinical testing. Allele origin: germline.
Comment: Variant summary: SUOX c.1040T>C (p.Leu347Pro) results in a non-conservative amino acid change located in the Oxidoreductase, molybdopterin-binding domain (IPR000572) of the encoded protein sequence. Five of five in-silico tools predict a damaging effect of the variant on protein function. The variant was absent in 251316 control chromosomes (gnomAD). The available data on variant occurrences in the general population are insufficient to allow any conclusion about variant significance. To our knowledge, no occurrence of c.1040T>C in individuals affected with Sulfite oxidase deficiency and no experimental evidence demonstrating an impact on protein function have been reported. No clinical diagnostic laboratories have submitted clinical-significance assessments for this variant to ClinVar after 2014. Based on the evidence outlined above, the variant was classified as uncertain significance.